The following is an entry in ClinVar:

ClinVar aggregate classification (germline): Uncertain significance (1 of 4 stars; one submission).

gnomAD v4.1: 1 of 1,558,402 alleles (0.000064%); highest among the groups gnomAD compares: African/African-American, 0.0013%; no homozygotes.

Submission:

GeneDx
Classification: Uncertain significance. Last evaluated: 2025-06-17. Review status: criteria provided, single submitter. Criteria: GeneDx Variant Classification Process June 2021. Collection method: clinical testing. Allele origin: germline. Affected: yes.
Comment: Not observed at significant frequency in large population cohorts (gnomAD); In silico analysis suggests that this missense variant does not alter protein structure/function; Has not been previously published as pathogenic or benign to our knowledge

NM_001145358.2(SIN3A):c.403C>G (p.Leu135Val)

Gene: SIN3A (SIN3 transcription regulator family member A; minus strand). Cytogenetic location: 15q24.2.
Variant type: single nucleotide variant.
Coding change: c.403C>G on transcript NM_001145358.2 (MANE Select); coding-DNA position 403, C replaced by G.
Protein change: p.Leu135Val; replaces leucine 135 with valine.
Molecular consequence: missense variant.
Genome position (GRCh38, 1-based): chr15:75,414,275, G>C on the plus strand (C>G on the coding strand, the complement: SIN3A is on the minus strand). VCF-style: chr15-75414275-G-C. GRCh37 (hg19) VCF-style: chr15-75706616-G-C.
Other names: c.403C>G, p.Leu135Val (NM_001145357.2, NM_001437462.1, NM_001437463.1 and 1 more transcripts); short protein forms L135V.
Identifiers: ClinVar variation 4538665 (VCV004538665.1).